The following is an entry in ClinVar:

NM_001267550.2(TTN):c.91859del (p.Pro30620fs)

Genes: TTN (titin; minus strand), TTN-AS1 (TTN antisense RNA 1; plus strand). Cytogenetic location: 2q31.2.
Variant type: Deletion.
Coding change: c.91859del on transcript NM_001267550.2 (MANE Select); coding-DNA position 91859, one base deleted (C; older notation c.91859delC).
Protein change: p.Pro30620fs; shifts the reading frame from proline 30620.
Molecular consequence: frameshift variant.
Genome position (GRCh38, 1-based): chr2:178,549,863, G deleted on the plus strand (C on the coding strand, the reverse complement: TTN is on the minus strand); the first of 2 consecutive G bases (chr2:178,549,863-178,549,864); deleting either gives the same sequence. VCF-style (leftmost placement, unchanged base first): chr2-178549862-TG-T. GRCh37 (hg19) VCF-style: chr2-179414589-TG-T.
Other names: c.86936del, p.Pro28979fs (NM_001256850.1); c.64664del, p.Pro21555fs (NM_003319.4); c.84155del, p.Pro28052fs (NM_133378.4); c.65039del, p.Pro21680fs (NM_133432.3); c.65240del, p.Pro21747fs (NM_133437.4); c.64664delC (NM_003319.4); c.84155delC (NM_133378.4); short protein forms P21680fs, P21555fs, P21747fs, P28052fs, P28979fs, P30620fs.
Identifiers: ClinVar variation 1753675 (VCV001753675.6), dbSNP rs2469178597, ClinGen allele CA2580064702.

ClinVar aggregate classification (germline): Likely pathogenic. Review status: criteria provided, multiple submitters, no conflicts (2 of 4 stars). 3 submissions from 3 submitters: Likely pathogenic (3). Last evaluated 2026-05-11.

Conditions:
Dilated cardiomyopathy 1G (CMD1G). Identifiers: Orphanet 154, MedGen C1858763, MONDO:0011400, OMIM 604145.
Autosomal recessive limb-girdle muscular dystrophy type 2J (LGMDR10). Also called: Limb-girdle muscular dystrophy, type 2J; MUSCULAR DYSTROPHY, LIMB-GIRDLE, AUTOSOMAL RECESSIVE 10. Identifiers: Orphanet 140922, MedGen C1837342, MONDO:0012127, OMIM 608807.
Primary familial dilated cardiomyopathy (FDC). Also called: Hypokinetic dilated cardiomyopathy, familial; Familial dilated cardiomyopathy. Identifiers: Orphanet 217607, MedGen C0340427, MONDO:0016333.
Cardiovascular phenotype. Identifiers: MedGen CN230736.

Submissions (3):

Women's Health and Genetics/Laboratory Corporation of America, LabCorp
Classification: Likely pathogenic for Primary familial dilated cardiomyopathy. Last evaluated: 2026-05-11. Review status: criteria provided, single submitter. Criteria: LabCorp Variant Classification Summary - May 2015. Collection method: clinical testing. Allele origin: germline.
Comment: Variant summary: TTN c.84155delC (p.Pro28052GlnfsX4) results in a premature termination codon, predicted to cause a truncation of the encoded protein or absence of the protein due to nonsense mediated decay, which are commonly known mechanisms for disease. Loss of function variants in all TTN bands are strongly associated with a spectrum of autosomal recessive titinopathies when exon expression (proportion spliced in, PSI, 1=complete expression) in skeletal muscle is >0.1 (PMID: 36977548, 39198997, 29598826, 32778822, 29691892, 33449170, 36977548, internal data). In contrast, loss of function variants in all TTN bands are only strongly associated with autosomal dominant TTN-related cardiomyopathies if located in exons constitutively expressed (PSI >0.9) in cardiac muscle, excluding extreme C-terminal exons 359-363 (PMID: 25589632, 31216868, 32964742, 34662387, 27869827, Shetty et al., Nat Cardiovasc Res 2024,, internal data). This variant is located in exon 338 in NM_001267550. This exon has a maximum skeletal muscle PSI of 0.931 and a maximum cardiac muscle PSI of 1 (PMID: 39198997). The frequency data for this variant in gnomAD is considered unreliable, as metrics indicate poor data quality at this position. To our knowledge, no occurrence of c.84155delC in individuals affected with TTN-related conditions and no experimental evidence demonstrating its impact on protein function have been reported. ClinVar contains an entry for this variant (Variation ID: 1753675). Based on the evidence outlined above, the variant was classified as likely pathogenic.

Labcorp Genetics (formerly Invitae), Labcorp
Classification: Likely pathogenic for Dilated cardiomyopathy 1G; Autosomal recessive limb-girdle muscular dystrophy type 2J. Last evaluated: 2024-08-28. Review status: criteria provided, single submitter. Criteria: Invitae Variant Classification Sherloc (09022015). Collection method: clinical testing. Allele origin: germline.
Comment: This sequence change creates a premature translational stop signal (p.Pro30620Glnfs*4) in the TTN gene. While this is not anticipated to result in nonsense mediated decay, it is expected to create a truncated TTN protein. This variant is not present in population databases (gnomAD no frequency). This variant has not been reported in the literature in individuals affected with TTN-related conditions. ClinVar contains an entry for this variant (Variation ID: 1753675). This variant is located in the A band of TTN (PMID: 25589632). Truncating variants in this region are significantly overrepresented in patients affected with dilated cardiomyopathy (PMID: 25589632). Truncating variants in this region have also been reported in individuals affected with autosomal recessive centronuclear myopathy (PMID: 23975875). In summary, the currently available evidence indicates that the variant is pathogenic, but additional data are needed to prove that conclusively. Therefore, this variant has been classified as Likely Pathogenic.

Ambry Genetics
Classification: Likely pathogenic for Cardiovascular phenotype. Last evaluated: 2023-08-18. Review status: criteria provided, single submitter. Criteria: Ambry Variant Classification Scheme 2023. Collection method: clinical testing. Allele origin: germline.
Comment: The c.64664delC variant, located in coding exon 165 of the TTN gene, results from a deletion of one nucleotide at nucleotide position 64664, causing a translational frameshift with a predicted alternate stop codon (p.P21555Qfs*4). This exon is located in the A-band region of the N2-B isoform of the titin protein and is constitutively expressed in TTN transcripts (percent spliced in or PSI 100%). This variant is considered to be rare based on population cohorts in the Genome Aggregation Database (gnomAD). This alteration is expected to result in loss of function by premature protein truncation or nonsense-mediated mRNA decay. While truncating variants in TTN are present in 1-3% of the general population, truncating variants in the A-band are the most common cause of dilated cardiomyopathy (DCM) (Herman DS et al. N. Engl. J. Med., 2012 Feb;366:619-28; Roberts AM et al. Sci Transl Med, 2015 Jan;7:270ra6). TTN truncating variants encoded in constitutive exons (PSI >90%) have been found to be significantly associated with DCM regardless of their position in titin (Schafer S et al. Nat. Genet., 2017 01;49:46-53). As such, this alteration is classified as likely pathogenic.

Literature cited by the submitters: PubMed 25589632 (cited by Labcorp Genetics (formerly Invitae), Labcorp); PubMed 23975875 (cited by Labcorp Genetics (formerly Invitae), Labcorp).